The following is an entry in ClinVar:

ClinVar aggregate classification (germline): Likely pathogenic (1 of 4 stars; one submission).

Conditions:
Dilated cardiomyopathy 1G (CMD1G). Identifiers: Orphanet 154, MedGen C1858763, MONDO:0011400, OMIM 604145.
Autosomal recessive limb-girdle muscular dystrophy type 2J (LGMDR10). Also called: Limb-girdle muscular dystrophy, type 2J; MUSCULAR DYSTROPHY, LIMB-GIRDLE, AUTOSOMAL RECESSIVE 10. Identifiers: Orphanet 140922, MedGen C1837342, MONDO:0012127, OMIM 608807.

Submission:

Labcorp Genetics (formerly Invitae), Labcorp
Classification: Likely pathogenic for Dilated cardiomyopathy 1G; Autosomal recessive limb-girdle muscular dystrophy type 2J. Last evaluated: 2025-02-01. Review status: criteria provided, single submitter. Criteria: Invitae Variant Classification Sherloc (09022015). Collection method: clinical testing. Allele origin: germline.
Comment: This sequence change creates a premature translational stop signal (p.Val1925*) in the TTN gene. While this is not anticipated to result in nonsense mediated decay, it is expected to create a truncated TTN protein. This variant is not present in population databases (gnomAD no frequency). This variant has not been reported in the literature in individuals affected with TTN-related conditions. This variant is located in the Z band of TTN (PMID: 25589632). Truncating variants in this region have been reported in individuals affected with autosomal recessive centronuclear myopathy (PMID: 33449170, internal data). Truncating variants in this region have also been identified in individuals affected with autosomal dominant dilated cardiomyopathy and/or cardio-related conditions (PMID: 27869827, 32964742, internal data). In summary, the currently available evidence indicates that the variant is pathogenic, but additional data are needed to prove that conclusively. Therefore, this variant has been classified as Likely Pathogenic.

Literature cited by the submitters: PubMed 25589632; PubMed 33449170; PubMed 27869827; PubMed 32964742.

NM_001267550.2(TTN):c.5772del (p.Lys1924_Val1925insTer)

Gene: TTN (titin; minus strand). Cytogenetic location: 2q31.2.
Variant type: Deletion.
Coding change: c.5772del on transcript NM_001267550.2 (MANE Select); coding-DNA position 5772, one base deleted (A; older notation c.5772delA).
Protein change: p.Lys1924_Val1925insTer.
Molecular consequence: frameshift variant.
Genome position (GRCh38, 1-based): chr2:178,776,092, T deleted on the plus strand (A on the coding strand, the reverse complement: TTN is on the minus strand); the first of 3 consecutive T bases (chr2:178,776,092-178,776,094); deleting any one gives the same sequence. VCF-style (leftmost placement, unchanged base first): chr2-178776091-CT-C. GRCh37 (hg19) VCF-style: chr2-179640818-CT-C.
Other names: c.5772del, p.Lys1924_Val1925insTer (NM_001256850.1, NM_133378.4, NM_133379.5); c.5634del, p.Lys1878_Val1879insTer (NM_003319.4, NM_133432.3, NM_133437.4).
Identifiers: ClinVar variation 4784042 (VCV004784042.1).